The following is an entry in ClinVar:

ClinVar aggregate classification (germline): Pathogenic (1 of 4 stars; one submission).

Conditions:
Primary ciliary dyskinesia 3. Identifiers: Orphanet 244, MedGen C1837618, MONDO:0012085, OMIM 608644.

Submission:

Myriad Genetics, Inc.
Classification: Pathogenic for Primary ciliary dyskinesia 3. Last evaluated: 2024-05-14. Review status: criteria provided, single submitter. Criteria: Myriad Autosomal Dominant, Autosomal Recessive and X-Linked Classification Criteria (2023). Collection method: clinical testing. Allele origin: unknown.
Comment: NM_001369.2(DNAH5):c.9095C>G(S3032*) is expected to be pathogenic in the context of primary ciliary dyskinesia, DNAH5-related. This variant is predicted to lead to an abnormal or absent protein product due to the creation of a premature termination codon in DNAH5, a gene where loss-of-function variants are known to be pathogenic. Please note: this variant was assessed in the context of healthy population screening.

NM_001369.3(DNAH5):c.9095C>G (p.Ser3032Ter)

Gene: DNAH5 (dynein axonemal heavy chain 5; minus strand). Cytogenetic location: 5p15.2.
Variant type: single nucleotide variant.
Coding change: c.9095C>G on transcript NM_001369.3 (MANE Select); coding-DNA position 9095, C replaced by G.
Protein change: p.Ser3032Ter; replaces serine 3032 with a stop codon.
Molecular consequence: nonsense.
Genome position (GRCh38, 1-based): chr5:13,777,212, G>C on the plus strand (C>G on the coding strand, the complement: DNAH5 is on the minus strand). VCF-style: chr5-13777212-G-C. GRCh37 (hg19) VCF-style: chr5-13777321-G-C.
Other names: short protein forms S3032*.
Identifiers: ClinVar variation 5012254 (VCV005012254.1).